The following is an entry in ClinVar:

ClinVar aggregate classification (germline): Uncertain significance (1 of 4 stars; one submission).

Conditions:
PLXNA4-related disorder. Also called: PLXNA4-related condition.

gnomAD v4.1: 2 of 1,614,018 alleles (0.00012%); highest among the groups gnomAD compares: East Asian, 0.0022%; no homozygotes.

Submission:

PreventionGenetics, part of Exact Sciences
Classification: Uncertain significance for PLXNA4-related condition. Last evaluated: 2026-06-09. Review status: criteria provided, single submitter. Criteria: ACMG Guidelines, 2015. Collection method: clinical testing. Allele origin: germline.
Comment: The PLXNA4 c.5362C>T variant is predicted to result in the amino acid substitution p.Arg1788Trp. To our knowledge, this variant has not been reported in the literature or in a large population database (gnomAD), indicating this variant is rare. At this time, the clinical significance of this variant is uncertain due to the absence of conclusive functional and genetic evidence.

NM_020911.2(PLXNA4):c.5362C>T (p.Arg1788Trp)

Gene: PLXNA4 (plexin A4; minus strand). Cytogenetic location: 7q32.3.
Variant type: single nucleotide variant.
Coding change: c.5362C>T on transcript NM_020911.2 (MANE Select); coding-DNA position 5362, C replaced by T.
Protein change: p.Arg1788Trp; replaces arginine 1788 with tryptophan.
Molecular consequence: missense variant.
Genome position (GRCh38, 1-based): chr7:132,140,675, G>A on the plus strand (C>T on the coding strand, the complement: PLXNA4 is on the minus strand). VCF-style: chr7-132140675-G-A. GRCh37 (hg19) VCF-style: chr7-131825434-G-A.
Other names: c.5362C>T, p.Arg1788Trp (NM_001393897.1); short protein forms R1788W.
Identifiers: ClinVar variation 4987870 (VCV004987870.1).